The following is an entry in ClinVar:

ClinVar aggregate classification (germline): Uncertain significance. Review status: criteria provided, multiple submitters, no conflicts (2 of 4 stars). 2 submissions from 2 submitters: Uncertain significance (2). Last evaluated 2025-06-09.

Conditions:
Hereditary cancer-predisposing syndrome. Also called: Neoplastic Syndromes, Hereditary; Tumor predisposition; Hereditary Cancer Syndrome; Hereditary neoplastic syndrome. Identifiers: Orphanet 140162, MedGen C0027672, MeSH D009386, MONDO:0015356.
Familial adenomatous polyposis 2. Also called: FAP type 2; COLORECTAL ADENOMATOUS POLYPOSIS, AUTOSOMAL RECESSIVE; ADENOMAS, MULTIPLE COLORECTAL, AUTOSOMAL RECESSIVE; MYH-associated polyposis; Adenomas, multiple colorectal; MUTYH-associated polyposis. Identifiers: Orphanet 220460, Orphanet 247798, MedGen C3272841, MONDO:0012041, OMIM 608456.

Submissions (2):

Ambry Genetics
Classification: Uncertain significance for Hereditary cancer-predisposing syndrome. Last evaluated: 2025-06-09. Review status: criteria provided, single submitter. Criteria: Ambry Variant Classification Scheme 2023. Collection method: clinical testing. Allele origin: germline.
Comment: The p.V466M variant (also known as c.1396G>A), located in coding exon 14 of the MUTYH gene, results from a G to A substitution at nucleotide position 1396. The valine at codon 466 is replaced by methionine, an amino acid with highly similar properties. This amino acid position is not well conserved in available vertebrate species. In addition, the in silico prediction for this alteration is inconclusive. Based on the available evidence, the clinical significance of this variant remains unclear.

Labcorp Genetics (formerly Invitae), Labcorp
Classification: Uncertain significance for Familial adenomatous polyposis 2. Last evaluated: 2024-07-30. Review status: criteria provided, single submitter. Criteria: Invitae Variant Classification Sherloc (09022015). Collection method: clinical testing. Allele origin: germline.
Comment: This sequence change replaces valine, which is neutral and non-polar, with methionine, which is neutral and non-polar, at codon 466 of the MUTYH protein (p.Val466Met). This variant is not present in population databases (gnomAD no frequency). This variant has not been reported in the literature in individuals affected with MUTYH-related conditions. An algorithm developed to predict the effect of missense changes on protein structure and function (PolyPhen-2) suggests that this variant is likely to be tolerated. In summary, the available evidence is currently insufficient to determine the role of this variant in disease. Therefore, it has been classified as a Variant of Uncertain Significance.

NM_001048174.2(MUTYH):c.1312G>A (p.Val438Met)

Gene: MUTYH (mutY DNA glycosylase; minus strand). Cytogenetic location: 1p34.1.
Variant type: single nucleotide variant.
Coding change: c.1312G>A on transcript NM_001048174.2 (MANE Select); coding-DNA position 1312, G replaced by A.
Protein change: p.Val438Met; replaces valine 438 with methionine.
Molecular consequence: missense variant. On other transcripts: non-coding transcript variant (7).
Genome position (GRCh38, 1-based): chr1:45,331,262, C>T on the plus strand (G>A on the coding strand, the complement: MUTYH is on the minus strand). VCF-style: chr1-45331262-C-T. GRCh37 (hg19) VCF-style: chr1-45796934-C-T.
Other names: c.1312G>A, p.Val438Met (NM_001048171.2, NM_001048173.2, NM_001293195.2 and 6 more transcripts); c.1315G>A, p.Val439Met (NM_001048172.2, NM_001407071.1, NM_001407078.1 and 1 more transcripts); c.1396G>A, p.Val466Met (NM_001128425.2); c.1357G>A, p.Val453Met (NM_001293190.2); c.1345G>A, p.Val449Met (NM_001293191.2, NM_001407069.1, NM_001407077.1); c.1036G>A, p.Val346Met (NM_001293192.2, NM_001293196.2, NM_001407091.1); c.967G>A, p.Val323Met (NM_001350650.2, NM_001350651.2, NM_001407082.1); c.1228G>A, p.Val410Met (NM_001407075.1); and 5 more; short protein forms V323M, V346M, V410M, V424M, V425M, V438M, V439M, V445M.
Identifiers: ClinVar variation 3610874 (VCV003610874.3).